The following is an entry in ClinVar:

ClinVar aggregate classification (germline): Pathogenic (1 of 4 stars; one submission).

Submission:

Labcorp Genetics (formerly Invitae), Labcorp
Classification: Pathogenic. Last evaluated: 2024-08-11. Review status: criteria provided, single submitter. Criteria: Invitae Variant Classification Sherloc (09022015). Collection method: clinical testing. Allele origin: germline.
Comment: This sequence change creates a premature translational stop signal (p.Ile626Aspfs*5) in the GPR179 gene. It is expected to result in an absent or disrupted protein product. Loss-of-function variants in GPR179 are known to be pathogenic (PMID: 22325361, 22325362). This variant is not present in population databases (gnomAD no frequency). This variant has not been reported in the literature in individuals affected with GPR179-related conditions. For these reasons, this variant has been classified as Pathogenic.

Literature cited by the submitters: PubMed 22325361; PubMed 22325362.

NM_001004334.4(GPR179):c.1874dup (p.Ile626fs)

Gene: GPR179 (G protein-coupled receptor 179; minus strand). Cytogenetic location: 17q12.
Variant type: Duplication.
Coding change: c.1874dup on transcript NM_001004334.4 (MANE Select); coding-DNA position 1874, one base duplicated (T; older notation c.1874dupT).
Protein change: p.Ile626fs; shifts the reading frame from isoleucine 626.
Molecular consequence: frameshift variant.
Genome position (GRCh38, 1-based): chr17:38,333,949, A duplicated on the plus strand (T on the coding strand, the reverse complement: GPR179 is on the minus strand). VCF-style (leftmost placement, unchanged base first): chr17-38333948-C-CA. GRCh37 (hg19) VCF-style: chr17-36489831-C-CA.
Other names: short protein forms I626fs.
Identifiers: ClinVar variation 3688188 (VCV003688188.2).